The following is an entry in ClinVar:

NM_001018115.3(FANCD2):c.3502_3503insT (p.Pro1168fs)

Genes: FANCD2 (FA complementation group D2; plus strand), FANCD2OS (FANCD2 opposite strand; minus strand). Cytogenetic location: 3p25.3.
Variant type: Insertion.
Coding change: c.3502_3503insT on transcript NM_001018115.3 (MANE Select); coding-DNA positions 3502 to 3503, T inserted.
Protein change: p.Pro1168fs; shifts the reading frame from proline 1168.
Molecular consequence: frameshift variant. On other transcripts: intron variant (1).
Genome position: GRCh38 VCF-style: chr3-10088484-C-CT. GRCh37 (hg19) VCF-style: chr3-10130168-C-CT.
Other names: c.3502_3503insT, p.Pro1168fs (NM_001319984.2, NM_001374254.1, NM_033084.6); c.3391_3392insT, p.Pro1131fs (NM_001374253.1); c.*44-6954_*44-6953insA (NM_173472.2); short protein forms P1168fs, P1131fs.
Identifiers: ClinVar variation 2692720 (VCV002692720.3), dbSNP rs2470047020, ClinGen allele CA2664393670.

ClinVar aggregate classification (germline): Pathogenic (1 of 4 stars; one submission).

Conditions:
Fanconi anemia (FA). Also called: Fanconi's anemia. Identifiers: Orphanet 84, MedGen C0015625, MeSH D005199, MONDO:0019391.

Submission:

Labcorp Genetics (formerly Invitae), Labcorp
Classification: Pathogenic for Fanconi anemia. Last evaluated: 2023-11-02. Review status: criteria provided, single submitter. Criteria: Invitae Variant Classification Sherloc (09022015). Collection method: clinical testing. Allele origin: germline.
Comment: This sequence change creates a premature translational stop signal (p.Pro1168Leufs*5) in the FANCD2 gene. It is expected to result in an absent or disrupted protein product. Loss-of-function variants in FANCD2 are known to be pathogenic (PMID: 17436244). This variant is not present in population databases (gnomAD no frequency). This variant has not been reported in the literature in individuals affected with FANCD2-related conditions. For these reasons, this variant has been classified as Pathogenic.

Literature cited by the submitters: PubMed 17436244.